The following is an entry in ClinVar:

NM_020693.4(DSCAML1):c.514C>A (p.His172Asn)

Gene: DSCAML1 (DS cell adhesion molecule like 1; minus strand). Cytogenetic location: 11q23.3.
Variant type: single nucleotide variant.
Coding change: c.514C>A on transcript NM_020693.4 (MANE Select); coding-DNA position 514, C replaced by A.
Protein change: p.His172Asn; replaces histidine 172 with asparagine.
Molecular consequence: missense variant.
Genome position (GRCh38, 1-based): chr11:117,532,520, G>T on the plus strand (C>A on the coding strand, the complement: DSCAML1 is on the minus strand). VCF-style: chr11-117532520-G-T. GRCh37 (hg19) VCF-style: chr11-117403235-G-T.
Other names: c.694C>A (NM_020693.3); c.514C>A, p.His172Asn (NM_001367904.1); c.106C>A, p.His36Asn (NM_001367905.1); short protein forms H172N, H36N.
Identifiers: ClinVar variation 1599863 (VCV001599863.11), dbSNP rs3741280, ClinGen allele CA6297524.
Genomic context (GRCh38, chr11:117,532,520, plus strand): 5'-CGTCCTCCTTCTGTACGTCAGAGATGTACAGCCCGCCGTGGTAGGTAATAAAAAACCTGT[G>T]TTCTGGAGACACAATCAGGACATAGTTCGTTACTTCCCGGTTTCGTACAGCCTCAGAGGC-3'
Protein context (NP_065744.3, residues 162-182): EKDTVSIIPE[His172Asn]RFFITYHGGL

ClinVar aggregate classification (germline): Benign. Review status: criteria provided, multiple submitters, no conflicts (2 of 4 stars). 3 submissions from 3 submitters: Benign (2). 1 of the submissions does not count toward it. Last evaluated 2026-02-04.

Conditions:
DSCAML1-related disorder. Also called: DSCAML1-related condition.

Allele frequency attached by ClinVar (database versions not stated): gnomAD 0.35406 and 0.34645; gnomAD exomes 0.36531 and 0.30415; 1000 Genomes Project 30x 0.45534; ESP Exome Variant Server 0.32269; TOPMed 0.35163; 1000 Genomes Project 0.45268; ExAC 0.36667.
gnomAD v4.1: 498,815 of 1,612,492 alleles (31%); highest among the groups gnomAD compares: South Asian, 56%; 83,909 homozygotes.

Submissions (3):

Labcorp Genetics (formerly Invitae), Labcorp
Classification: Benign. Last evaluated: 2026-02-04. Review status: criteria provided, single submitter. Criteria: Invitae Variant Classification Sherloc (09022015). Collection method: clinical testing. Allele origin: germline.

Breakthrough Genomics
Classification: Benign. Review status: criteria provided, single submitter. Criteria: ACMG Guidelines, 2015. Collection method: not provided. Allele origin: germline. Inheritance: Unknown mechanism. Affected: yes.

PreventionGenetics, part of Exact Sciences
Classification: Benign for DSCAML1-related condition. Last evaluated: 2019-10-17. Review status: no assertion criteria provided. Collection method: clinical testing. Allele origin: germline. Not counted in ClinVar's aggregate classification.
Comment: This variant is classified as benign based on ACMG/AMP sequence variant interpretation guidelines (Richards et al. 2015 PMID: 25741868, with internal and published modifications).